The following is an entry in ClinVar:

ClinVar aggregate classification (germline): Uncertain significance (1 of 4 stars; one submission).

Conditions:
Familial meningioma. Also called: Meningioma, familial, susceptibility to. Identifiers: Orphanet 263662, MedGen C3551915, MONDO:0011789, OMIM 607174.

Submission:

Labcorp Genetics (formerly Invitae), Labcorp
Classification: Uncertain significance for Familial meningioma. Last evaluated: 2022-10-24. Review status: criteria provided, single submitter. Criteria: Invitae Variant Classification Sherloc (09022015). Collection method: clinical testing. Allele origin: germline.
Comment: In summary, the available evidence is currently insufficient to determine the role of this variant in disease. Therefore, it has been classified as a Variant of Uncertain Significance. This variant has not been reported in the literature in individuals affected with SMARCE1-related conditions. This variant is not present in population databases (gnomAD no frequency). This sequence change replaces serine, which is neutral and polar, with arginine, which is basic and polar, at codon 353 of the SMARCE1 protein (p.Ser353Arg). ClinVar contains an entry for this variant (Variation ID: 839373). Advanced modeling of protein sequence and biophysical properties (such as structural, functional, and spatial information, amino acid conservation, physicochemical variation, residue mobility, and thermodynamic stability) performed at Invitae indicates that this missense variant is not expected to disrupt SMARCE1 protein function.

NM_003079.5(SMARCE1):c.1057A>C (p.Ser353Arg)

Gene: SMARCE1 (SWI/SNF related BAF chromatin remodeling complex subunit E1; minus strand). Cytogenetic location: 17q21.2.
Variant type: single nucleotide variant.
Coding change: c.1057A>C on transcript NM_003079.5 (MANE Select); coding-DNA position 1057, A replaced by C.
Protein change: p.Ser353Arg; replaces serine 353 with arginine.
Molecular consequence: missense variant.
Genome position (GRCh38, 1-based): chr17:40,628,964, T>G on the plus strand (A>C on the coding strand, the complement: SMARCE1 is on the minus strand). VCF-style: chr17-40628964-T-G. GRCh37 (hg19) VCF-style: chr17-38785216-T-G.
Other names: short protein forms S353R.
Identifiers: ClinVar variation 839373 (VCV000839373.9), dbSNP rs2037062951, ClinGen allele CA399361692.